The following is an entry in ClinVar:

ClinVar aggregate classification (germline): Conflicting classifications of pathogenicity. Review status: criteria provided, conflicting classifications (1 of 4 stars). 4 submissions from 4 submitters: Uncertain significance (3); Likely benign (1). Last evaluated 2025-09-03.

Conditions:
Ataxia-telangiectasia-like disorder (ATLD). Identifiers: MedGen C1858391, MONDO:0011457.
Hereditary cancer-predisposing syndrome. Also called: Hereditary neoplastic syndrome; Neoplastic Syndromes, Hereditary; Hereditary Cancer Syndrome; Tumor predisposition. Identifiers: Orphanet 140162, MedGen C0027672, MeSH D009386, MONDO:0015356.
Ataxia-telangiectasia-like disorder 1 (ATLD1). Identifiers: Orphanet 251347, MedGen C4012790, MONDO:0024557, OMIM 604391.

Allele frequency attached by ClinVar (database versions not stated): gnomAD exomes below 0.00001; TOPMed below 0.00001; gnomAD 0.00001.
gnomAD v4.1: 13 of 1,613,158 alleles (0.00081%); highest among the groups gnomAD compares: East Asian, 0.027%; no homozygotes.

Submissions (4):

GeneDx
Classification: Uncertain significance. Last evaluated: 2025-09-03. Review status: criteria provided, single submitter. Criteria: GeneDx Variant Classification Process June 2021. Collection method: clinical testing. Allele origin: germline. Affected: yes.
Comment: Not observed at significant frequency in large population cohorts (gnomAD); In silico analysis suggests that this missense variant does not alter protein structure/function; This variant is associated with the following publications: (PMID: 29338689, 36135357)

Fulgent Genetics
Classification: Uncertain significance for Ataxia-telangiectasia-like disorder 1. Last evaluated: 2024-05-14. Review status: criteria provided, single submitter. Criteria: ACMG Guidelines, 2015. Collection method: clinical testing. Allele origin: germline.

Labcorp Genetics (formerly Invitae), Labcorp
Classification: Uncertain significance for Ataxia-telangiectasia-like disorder. Last evaluated: 2021-08-14. Review status: criteria provided, single submitter. Criteria: Invitae Variant Classification Sherloc (09022015). Collection method: clinical testing. Allele origin: germline.
Comment: This sequence change replaces lysine with asparagine at codon 407 of the MRE11 protein (p.Lys407Asn). The lysine residue is highly conserved and there is a moderate physicochemical difference between lysine and asparagine. This variant is not present in population databases (ExAC no frequency). This variant has not been reported in the literature in individuals affected with MRE11-related conditions. ClinVar contains an entry for this variant (Variation ID: 127971). Algorithms developed to predict the effect of missense changes on protein structure and function output the following: SIFT: "Tolerated"; PolyPhen-2: "Benign"; Align-GVGD: "Class C0". The asparagine amino acid residue is found in multiple mammalian species, which suggests that this missense change does not adversely affect protein function. In summary, the available evidence is currently insufficient to determine the role of this variant in disease. Therefore, it has been classified as a Variant of Uncertain Significance.

Ambry Genetics
Classification: Likely benign for Hereditary cancer-predisposing syndrome. Last evaluated: 2017-01-26. Review status: criteria provided, single submitter. Criteria: Ambry Variant Classification Scheme 2023. Collection method: clinical testing. Allele origin: germline.

NM_005591.4(MRE11):c.1221A>C (p.Lys407Asn)

Gene: MRE11 (MRE11 double strand break repair nuclease; minus strand). Cytogenetic location: 11q21.
Variant type: single nucleotide variant.
Coding change: c.1221A>C on transcript NM_005591.4 (MANE Select); coding-DNA position 1221, A replaced by C.
Protein change: p.Lys407Asn; replaces lysine 407 with asparagine.
Molecular consequence: missense variant.
Genome position (GRCh38, 1-based): chr11:94,464,117, T>G on the plus strand (A>C on the coding strand, the complement: MRE11 is on the minus strand). VCF-style: chr11-94464117-T-G. GRCh37 (hg19) VCF-style: chr11-94197283-T-G.
Other names: p.K407N:AAA>AAC; c.1221A>C, p.Lys407Asn (NM_001330347.2, NM_005590.4); short protein forms K407N.
Identifiers: ClinVar variation 127971 (VCV000127971.10), dbSNP rs587780135, ClinGen allele CA288161.